The following is an entry in ClinVar:

ClinVar aggregate classification (germline): Uncertain significance (1 of 4 stars; one submission).

gnomAD v4.1: 1 of 1,614,118 alleles (0.000062%); highest among the groups gnomAD compares: Non-Finnish European, 0.000085%; no homozygotes.

Submission:

Labcorp Genetics (formerly Invitae), Labcorp
Classification: Uncertain significance. Last evaluated: 2025-07-22. Review status: criteria provided, single submitter. Criteria: Invitae Variant Classification Sherloc (09022015). Collection method: clinical testing. Allele origin: germline.
Comment: This sequence change replaces phenylalanine, which is neutral and non-polar, with leucine, which is neutral and non-polar, at codon 840 of the EMC1 protein (p.Phe840Leu). This variant is present in population databases (rs760325675, gnomAD 0.0009%). This variant has not been reported in the literature in individuals affected with EMC1-related conditions. ClinVar contains an entry for this variant (Variation ID: 3676798). Invitae Evidence Modeling of protein sequence and biophysical properties (such as structural, functional, and spatial information, amino acid conservation, physicochemical variation, residue mobility, and thermodynamic stability) indicates that this missense variant is not expected to disrupt EMC1 protein function with a negative predictive value of 80%. In summary, the available evidence is currently insufficient to determine the role of this variant in disease. Therefore, it has been classified as a Variant of Uncertain Significance.

NM_015047.3(EMC1):c.2518T>C (p.Phe840Leu)

Genes: EMC1 (ER membrane protein complex subunit 1; minus strand), EMC1-AS1 (EMC1 antisense RNA 1; plus strand). Cytogenetic location: 1p36.13.
Variant type: single nucleotide variant.
Coding change: c.2518T>C on transcript NM_015047.3 (MANE Select); coding-DNA position 2518, T replaced by C.
Protein change: p.Phe840Leu; replaces phenylalanine 840 with leucine.
Molecular consequence: missense variant.
Genome position (GRCh38, 1-based): chr1:19,222,693, A>G on the plus strand (T>C on the coding strand, the complement: EMC1 is on the minus strand). VCF-style: chr1-19222693-A-G. GRCh37 (hg19) VCF-style: chr1-19549187-A-G.
Other names: c.2515T>C, p.Phe839Leu (NM_001271427.2, NM_001271428.2); c.2452T>C, p.Phe818Leu (NM_001271429.2); c.2527T>C, p.Phe843Leu (NM_001375820.1); c.2524T>C, p.Phe842Leu (NM_001375821.1); short protein forms F818L, F839L, F842L, F840L, F843L.
Identifiers: ClinVar variation 3676798 (VCV003676798.2).
Genomic context (GRCh38, chr1:19,222,693, plus strand): 5'-GTCGGCTGGTGATGCCCCGTTCGGTGATGGTGGCCTCCATGGCACTGATGGAGGACGGGA[A>G]GATATAGGACTGCTGGAGGACCTGGGGCAGCTGGGGGCGGTCCAGGGAGCTGAAGGCGGT-3'
Protein context (NP_055862.1, residues 830-850): LPQVLQQSYI[Phe840Leu]PSSISAMEAT